The following is an entry in ClinVar:

ClinVar aggregate classification (germline): Pathogenic (1 of 4 stars; one submission).

Conditions:
Carnitine palmitoyltransferase II deficiency. Also called: Carnitine Palmitoyltransferase 2 Deficiency. Identifiers: Orphanet 157, MedGen C0342790, MONDO:0015515.

Submission:

Labcorp Genetics (formerly Invitae), Labcorp
Classification: Pathogenic for Carnitine palmitoyltransferase II deficiency. Last evaluated: 2021-11-26. Review status: criteria provided, single submitter. Criteria: Invitae Variant Classification Sherloc (09022015). Collection method: clinical testing. Allele origin: germline.
Comment: This sequence change creates a premature translational stop signal (p.Asn250Leufs*16) in the CPT2 gene. It is expected to result in an absent or disrupted protein product. Loss-of-function variants in CPT2 are known to be pathogenic (PMID: 16781677, 16996287). This variant is not present in population databases (gnomAD no frequency). This variant has not been reported in the literature in individuals affected with CPT2-related conditions. For these reasons, this variant has been classified as Pathogenic.

Literature cited by the submitters: PubMed 16781677; PubMed 16996287.

NM_000098.3(CPT2):c.747_748insTT (p.Asn250fs)

Gene: CPT2 (carnitine palmitoyltransferase 2; plus strand). Cytogenetic location: 1p32.3.
Variant type: Insertion.
Coding change: c.747_748insTT on transcript NM_000098.3 (MANE Select); coding-DNA positions 747 to 748, TT inserted.
Protein change: p.Asn250fs; shifts the reading frame from asparagine 250.
Molecular consequence: frameshift variant.
Genome position: GRCh38 VCF-style: chr1-53210421-A-ATT. GRCh37 (hg19) VCF-style: chr1-53676093-A-ATT.
Other names: c.747_748insTT, p.Asn250fs (NM_001330589.2); short protein forms N250fs.
Identifiers: ClinVar variation 1397459 (VCV001397459.6), dbSNP rs2100272626, ClinGen allele CA2573132423.